The following is an entry in ClinVar:

NM_032620.4(GTPBP3):c.321T>C (p.Gly107=)

Gene: GTPBP3 (GTP binding protein 3, mitochondrial; plus strand). Cytogenetic location: 19p13.11.
Variant type: single nucleotide variant.
Coding change: c.321T>C on transcript NM_032620.4 (MANE Select); coding-DNA position 321, T replaced by C.
Protein change: p.Gly107=; no amino-acid change (glycine 107 retained).
Molecular consequence: synonymous variant.
Genome position (GRCh38, 1-based): chr19:17,338,384, T>C. VCF-style: chr19-17338384-T-C. GRCh37 (hg19) VCF-style: chr19-17449193-T-C.
Other names: c.321T>C, p.Gly107= (NM_001128855.3, NM_133644.4); c.387T>C, p.Gly129= (NM_001195422.1).
Identifiers: ClinVar variation 391791 (VCV000391791.1), dbSNP rs1057524230, ClinGen allele CA16608095.

ClinVar aggregate classification (germline): Likely benign (1 of 4 stars; one submission).

Allele frequency attached by ClinVar (database versions not stated): gnomAD 0.00001; TOPMed 0.00001.

Submission:

GeneDx
Classification: Likely benign. Last evaluated: 2016-12-16. Review status: criteria provided, single submitter. Criteria: GeneDx Variant Classification (06012015). Collection method: clinical testing. Allele origin: germline. Affected: yes.
Comment: This variant is considered likely benign or benign based on one or more of the following criteria: it is a conservative change, it occurs at a poorly conserved position in the protein, it is predicted to be benign by multiple in silico algorithms, and/or has population frequency not consistent with disease.